The following is an entry in ClinVar:

ClinVar aggregate classification (germline): Pathogenic/Likely pathogenic. Review status: criteria provided, multiple submitters, no conflicts (2 of 4 stars). 2 submissions from 2 submitters: Pathogenic (1); Likely pathogenic (1). Last evaluated 2023-01-11.

Conditions:
Cholestanol storage disease (CTX). Also called: CEREBRAL CHOLESTERINOSIS; Cerebrotendinous Xanthomatosis; CTX: Cerebrotendinous xanthomatosis. Identifiers: Orphanet 909, MedGen C0238052, MONDO:0008948, OMIM 213700.

Submissions (2):

Labcorp Genetics (formerly Invitae), Labcorp
Classification: Pathogenic for Cholestanol storage disease. Last evaluated: 2023-01-11. Review status: criteria provided, single submitter. Criteria: Invitae Variant Classification Sherloc (09022015). Collection method: clinical testing. Allele origin: germline.
Comment: This sequence change creates a premature translational stop signal (p.Trp154*) in the CYP27A1 gene. It is expected to result in an absent or disrupted protein product. Loss-of-function variants in CYP27A1 are known to be pathogenic (PMID: 9392430, 10775536, 26937392). This variant is not present in population databases (gnomAD no frequency). This variant has not been reported in the literature in individuals affected with CYP27A1-related conditions. For these reasons, this variant has been classified as Pathogenic.

Baylor Genetics
Classification: Likely pathogenic for Cholestanol storage disease. Last evaluated: 2022-09-05. Review status: criteria provided, single submitter. Criteria: ACMG Guidelines, 2015. Collection method: clinical testing. Allele origin: unknown.

Literature cited by the submitters: PubMed 9392430 (cited by Labcorp Genetics (formerly Invitae), Labcorp); PubMed 10775536 (cited by Labcorp Genetics (formerly Invitae), Labcorp); PubMed 26937392 (cited by Labcorp Genetics (formerly Invitae), Labcorp).

NM_000784.4(CYP27A1):c.461G>A (p.Trp154Ter)

Gene: CYP27A1 (cytochrome P450 family 27 subfamily A member 1; plus strand). Cytogenetic location: 2q35.
Variant type: single nucleotide variant.
Coding change: c.461G>A on transcript NM_000784.4 (MANE Select); coding-DNA position 461, G replaced by A.
Protein change: p.Trp154Ter; replaces tryptophan 154 with a stop codon.
Molecular consequence: nonsense.
Genome position (GRCh38, 1-based): chr2:218,812,236, G>A. VCF-style: chr2-218812236-G-A. GRCh37 (hg19) VCF-style: chr2-219676959-G-A.
Other names: short protein forms W154*.
Identifiers: ClinVar variation 2674723 (VCV002674723.4), dbSNP rs2470226358, ClinGen allele CA350584791.